The following is an entry in ClinVar:

NM_004551.3(NDUFS3):c.496T>C (p.Tyr166His)

Gene: NDUFS3 (NADH:ubiquinone oxidoreductase core subunit S3; plus strand). Cytogenetic location: 11p11.2.
Variant type: single nucleotide variant.
Coding change: c.496T>C on transcript NM_004551.3 (MANE Select); coding-DNA position 496, T replaced by C.
Protein change: p.Tyr166His; replaces tyrosine 166 with histidine.
Molecular consequence: missense variant.
Genome position (GRCh38, 1-based): chr11:47,582,202, T>C. VCF-style: chr11-47582202-T-C. GRCh37 (hg19) VCF-style: chr11-47603754-T-C.
Other names: c.496T>C (NM_004551.1); short protein forms Y166H.
Identifiers: ClinVar variation 2408828 (VCV002408828.4), dbSNP rs144217602, ClinGen allele CA5977999.

ClinVar aggregate classification (germline): Uncertain significance. Review status: criteria provided, multiple submitters, no conflicts (2 of 4 stars). 2 submissions from 2 submitters: Uncertain significance (2). Last evaluated 2025-02-08.

Conditions:
Inborn genetic diseases. Identifiers: MedGen C0950123, MeSH D030342.

Allele frequency attached by ClinVar (database versions not stated): gnomAD 0.00003; gnomAD exomes 0.00004; TOPMed 0.00004; ExAC 0.00005; ESP Exome Variant Server 0.00015.
gnomAD v4.1: 66 of 1,614,044 alleles (0.0041%); highest among the groups gnomAD compares: Non-Finnish European, 0.0053%; no homozygotes.

Submissions (2):

Ambry Genetics
Classification: Uncertain significance for Inborn genetic diseases. Last evaluated: 2025-02-08. Review status: criteria provided, single submitter. Criteria: Ambry Variant Classification Scheme 2023. Collection method: clinical testing. Allele origin: germline.

GeneDx
Classification: Uncertain significance. Last evaluated: 2024-04-10. Review status: criteria provided, single submitter. Criteria: GeneDx Variant Classification Process June 2021. Collection method: clinical testing. Allele origin: germline. Affected: yes.
Comment: Not observed at significant frequency in large population cohorts (gnomAD); In silico analysis supports that this missense variant has a deleterious effect on protein structure/function; Has not been previously published as pathogenic or benign to our knowledge